The following is an entry in ClinVar:

ClinVar aggregate classification (germline): Uncertain significance. Review status: criteria provided, multiple submitters, no conflicts (2 of 4 stars). 2 submissions from 2 submitters: Uncertain significance (2). Last evaluated 2025-05-13.

gnomAD v4.1: 28 of 1,613,958 alleles (0.0017%); highest among the groups gnomAD compares: Admixed American, 0.043%; no homozygotes.

Submissions (2):

Labcorp Genetics (formerly Invitae), Labcorp
Classification: Uncertain significance. Last evaluated: 2025-05-13. Review status: criteria provided, single submitter. Criteria: Invitae Variant Classification Sherloc (09022015). Collection method: clinical testing. Allele origin: germline.
Comment: This sequence change replaces tryptophan, which is neutral and slightly polar, with serine, which is neutral and polar, at codon 108 of the PLTP protein (p.Trp108Ser). This variant is present in population databases (no rsID available, gnomAD 0.003%). This variant has not been reported in the literature in individuals affected with PLTP-related conditions. ClinVar contains an entry for this variant (Variation ID: 3307869). An algorithm developed to predict the effect of missense changes on protein structure and function (PolyPhen-2) suggests that this variant is likely to be disruptive. In summary, the available evidence is currently insufficient to determine the role of this variant in disease. Therefore, it has been classified as a Variant of Uncertain Significance.

Ambry Genetics
Classification: Uncertain significance. Last evaluated: 2024-03-15. Review status: criteria provided, single submitter. Criteria: Ambry Variant Classification Scheme 2023. Collection method: clinical testing. Allele origin: germline.

NM_006227.4(PLTP):c.323G>C (p.Trp108Ser)

Gene: PLTP (phospholipid transfer protein; minus strand). Cytogenetic location: 20q13.12.
Variant type: single nucleotide variant.
Coding change: c.323G>C on transcript NM_006227.4 (MANE Select); coding-DNA position 323, G replaced by C.
Protein change: p.Trp108Ser; replaces tryptophan 108 with serine.
Molecular consequence: missense variant. On other transcripts: intron variant (1).
Genome position (GRCh38, 1-based): chr20:45,909,948, C>G on the plus strand (G>C on the coding strand, the complement: PLTP is on the minus strand). VCF-style: chr20-45909948-C-G. GRCh37 (hg19) VCF-style: chr20-44538587-C-G.
Other names: c.59G>C, p.Trp20Ser (NM_001242921.1); c.323G>C, p.Trp108Ser (NM_182676.3); c.200+1204G>C (NM_001242920.2); short protein forms W108S, W20S.
Identifiers: ClinVar variation 3307869 (VCV003307869.2).